The following is an entry in ClinVar:

ClinVar aggregate classification (germline): Pathogenic (1 of 4 stars; one submission).

Submission:

CeGaT Center for Human Genetics Tuebingen
Classification: Pathogenic. Last evaluated: 2025-09-01. Review status: criteria provided, single submitter. Criteria: CeGaT Center For Human Genetics Tuebingen Variant Classification Criteria Version 2. Collection method: clinical testing. Allele origin: germline. Affected: yes. Observed: 1 variant allele.
Comment: NCKAP1: PVS1, PM2, PS2:Moderate

NM_013436.5(NCKAP1):c.3118_3127del (p.Ala1040fs)

Gene: NCKAP1 (NCK associated protein 1; minus strand). Cytogenetic location: 2q32.1.
Variant type: Deletion.
Coding change: c.3118_3127del on transcript NM_013436.5 (MANE Select); coding-DNA positions 3118 to 3127, 10 bases deleted (GCTGCAGCTT; older notation c.3118_3127delGCTGCAGCTT).
Protein change: p.Ala1040fs; shifts the reading frame from alanine 1040.
Molecular consequence: frameshift variant.
Genome position (GRCh38, 1-based): chr2:182,928,170-182,928,179, AAGCTGCAGC deleted on the plus strand (GCTGCAGCTT on the coding strand, the reverse complement: NCKAP1 is on the minus strand); deleting any 10 consecutive bases within chr2:182,928,170-182,928,181 gives the same sequence; the c. name uses the placement nearest the transcript's 3' end. VCF-style (leftmost placement, unchanged base first): chr2-182928169-AAAGCTGCAGC-A. GRCh37 (hg19) VCF-style: chr2-183792897-AAAGCTGCAGC-A.
Other names: c.3112_3121del, p.Ala1038fs (NM_001437266.1); c.3130_3139del, p.Ala1044fs (NM_001437267.1); c.3136_3145del, p.Ala1046fs (NM_205842.3); short protein forms A1038fs, A1040fs, A1044fs, A1046fs.
Identifiers: ClinVar variation 4281358 (VCV004281358.7).